The following is an entry in ClinVar:

ClinVar aggregate classification (germline): Uncertain significance. Review status: criteria provided, multiple submitters, no conflicts (2 of 4 stars). 2 submissions from 2 submitters: Uncertain significance (2). Last evaluated 2025-09-05.

Conditions:
Hereditary cancer-predisposing syndrome. Also called: Tumor predisposition; Hereditary Cancer Syndrome; Hereditary neoplastic syndrome; Neoplastic Syndromes, Hereditary. Identifiers: Orphanet 140162, MedGen C0027672, MeSH D009386, MONDO:0015356.
Tuberous sclerosis 2 (TSC2). Identifiers: Orphanet 805, MedGen C1860707, MONDO:0013199, OMIM 613254.

Submissions (2):

Ambry Genetics
Classification: Uncertain significance for Hereditary cancer-predisposing syndrome. Last evaluated: 2025-09-05. Review status: criteria provided, single submitter. Criteria: Ambry Variant Classification Scheme 2023. Collection method: clinical testing. Allele origin: germline.
Comment: The p.L565V variant (also known as c.1693C>G), located in coding exon 15 of the TSC2 gene, results from a C to G substitution at nucleotide position 1693. The leucine at codon 565 is replaced by valine, an amino acid with highly similar properties. This amino acid position is highly conserved in available vertebrate species. In addition, the in silico prediction for this alteration is inconclusive. Based on the available evidence, the clinical significance of this variant remains unclear.

Labcorp Genetics (formerly Invitae), Labcorp
Classification: Uncertain significance for Tuberous sclerosis 2. Last evaluated: 2022-08-15. Review status: criteria provided, single submitter. Criteria: Invitae Variant Classification Sherloc (09022015). Collection method: clinical testing. Allele origin: germline.
Comment: This variant is not present in population databases (gnomAD no frequency). This sequence change replaces leucine, which is neutral and non-polar, with valine, which is neutral and non-polar, at codon 565 of the TSC2 protein (p.Leu565Val). In summary, the available evidence is currently insufficient to determine the role of this variant in disease. Therefore, it has been classified as a Variant of Uncertain Significance. Advanced modeling of protein sequence and biophysical properties (such as structural, functional, and spatial information, amino acid conservation, physicochemical variation, residue mobility, and thermodynamic stability) performed at Invitae indicates that this missense variant is not expected to disrupt TSC2 protein function. ClinVar contains an entry for this variant (Variation ID: 237971). This variant has not been reported in the literature in individuals affected with TSC2-related conditions.

NM_000548.5(TSC2):c.1693C>G (p.Leu565Val)

Gene: TSC2 (TSC complex subunit 2; plus strand). Cytogenetic location: 16p13.3.
Variant type: single nucleotide variant.
Coding change: c.1693C>G on transcript NM_000548.5 (MANE Select); coding-DNA position 1693, C replaced by G.
Protein change: p.Leu565Val; replaces leucine 565 with valine.
Molecular consequence: missense variant.
Genome position (GRCh38, 1-based): chr16:2,065,612, C>G. VCF-style: chr16-2065612-C-G. GRCh37 (hg19) VCF-style: chr16-2115613-C-G.
Other names: c.1693C>G, p.Leu565Val (NM_001077183.3, NM_001114382.3, NM_001363528.2 and 3 more transcripts); c.1582C>G, p.Leu528Val (NM_001318827.2); c.1546C>G, p.Leu516Val (NM_001318829.2); c.1093C>G, p.Leu365Val (NM_001318831.2); c.1726C>G, p.Leu576Val (NM_001318832.2); short protein forms L565V, L576V, L365V, L516V, L528V.
Identifiers: ClinVar variation 237971 (VCV000237971.11), dbSNP rs878854078, ClinGen allele CA10583298.